The following is an entry in ClinVar:

ClinVar aggregate classification (germline): Uncertain significance (1 of 4 stars; one submission).

Conditions:
Hypertrophic cardiomyopathy. Also called: HYPERTROPHIC MYOCARDIOPATHY. Identifiers: Orphanet 217569, MedGen C0007194, MeSH D002312, MONDO:0005045, HP:0001639.

Allele frequency attached by ClinVar (database versions not stated): ExAC 0.00001; TOPMed 0.00001.
gnomAD v4.1: 17 of 1,613,662 alleles (0.0011%); highest among the groups gnomAD compares: Admixed American, 0.0033%; no homozygotes.

Submission:

Labcorp Genetics (formerly Invitae), Labcorp
Classification: Uncertain significance for Hypertrophic cardiomyopathy. Last evaluated: 2019-01-02. Review status: criteria provided, single submitter. Criteria: Invitae Variant Classification Sherloc (09022015). Collection method: clinical testing. Allele origin: germline.
Comment: This variant has not been reported in the literature in individuals with MYOM1-related conditions. This variant is present in population databases (rs753756333, ExAC 0.006%). This sequence change affects codon 1288 of the MYOM1 mRNA. It is a 'silent' change, meaning that it does not change the encoded amino acid sequence of the MYOM1 protein. This variant also falls at the last nucleotide of exon 26 of the MYOM1 coding sequence, which is part of the consensus splice site for this exon. Nucleotide substitutions within the consensus splice site are a relatively common cause of aberrant splicing (PMID: 17576681, 9536098). Algorithms developed to predict the effect of sequence changes on RNA splicing suggest that this variant may disrupt the consensus splice site, but this prediction has not been confirmed by published transcriptional studies. In summary, the available evidence is currently insufficient to determine the role of this variant in disease. Therefore, it has been classified as a Variant of Uncertain Significance.

Literature cited by the submitters: PubMed 17576681; PubMed 9536098.

NM_003803.4(MYOM1):c.3864G>A (p.Pro1288=)

Gene: MYOM1 (myomesin 1; minus strand). Cytogenetic location: 18p11.31.
Variant type: single nucleotide variant.
Coding change: c.3864G>A on transcript NM_003803.4 (MANE Select); coding-DNA position 3864, G replaced by A.
Protein change: p.Pro1288=; no amino-acid change (proline 1288 retained).
Molecular consequence: synonymous variant.
Genome position (GRCh38, 1-based): chr18:3,094,170, C>T on the plus strand (G>A on the coding strand, the complement: MYOM1 is on the minus strand). VCF-style: chr18-3094170-C-T. GRCh37 (hg19) VCF-style: chr18-3094168-C-T.
Other names: c.3576G>A, p.Pro1192= (NM_019856.2).
Identifiers: ClinVar variation 852223 (VCV000852223.7), dbSNP rs753756333, ClinGen allele CA8874148.